The following is an entry in ClinVar:

ClinVar aggregate classification (germline): Uncertain significance (1 of 4 stars; one submission).

gnomAD v4.1: 2 of 1,613,794 alleles (0.00012%); highest among the groups gnomAD compares: African/African-American, 0.0027%; no homozygotes.

Submission:

Labcorp Genetics (formerly Invitae), Labcorp
Classification: Uncertain significance. Last evaluated: 2025-04-10. Review status: criteria provided, single submitter. Criteria: Invitae Variant Classification Sherloc (09022015). Collection method: clinical testing. Allele origin: germline.
Comment: This sequence change replaces lysine, which is basic and polar, with glutamic acid, which is acidic and polar, at codon 159 of the MYO18B protein (p.Lys159Glu). This variant is not present in population databases (gnomAD no frequency). This variant has not been reported in the literature in individuals affected with MYO18B-related conditions. An algorithm developed to predict the effect of missense changes on protein structure and function (PolyPhen-2) suggests that this variant is likely to be disruptive. In summary, the available evidence is currently insufficient to determine the role of this variant in disease. Therefore, it has been classified as a Variant of Uncertain Significance.

NM_032608.7(MYO18B):c.475A>G (p.Lys159Glu)

Gene: MYO18B (myosin XVIIIB; plus strand). Cytogenetic location: 22q12.1.
Variant type: single nucleotide variant.
Coding change: c.475A>G on transcript NM_032608.7 (MANE Select); coding-DNA position 475, A replaced by G.
Protein change: p.Lys159Glu; replaces lysine 159 with glutamic acid.
Molecular consequence: missense variant.
Genome position (GRCh38, 1-based): chr22:25,768,391, A>G. VCF-style: chr22-25768391-A-G. GRCh37 (hg19) VCF-style: chr22-26164358-A-G.
Other names: c.475A>G, p.Lys159Glu (NM_001318245.2); short protein forms K159E.
Identifiers: ClinVar variation 4717115 (VCV004717115.1).
Genomic context (GRCh38, chr22:25,768,391, plus strand): 5'-AAAAAGACTGTCCCCTTCAAGAGGGGCGTGAGGAGGGGTGATGTGTTGTTGATGGTGGCC[A>G]AGCTGGACCCGGACTCAGCCAAGCCAGAGAAGACTCATCCCCATGACGCCCCCCCTTGCA-3'
Protein context (NP_115997.5, residues 149-169): RRGDVLLMVA[Lys159Glu]LDPDSAKPEK